The following is an entry in ClinVar:

NM_001378183.1(PIEZO2):c.5289G>T (p.Met1763Ile)

Gene: PIEZO2 (piezo type mechanosensitive ion channel component 2; minus strand). Cytogenetic location: 18p11.22.
Variant type: single nucleotide variant.
Coding change: c.5289G>T on transcript NM_001378183.1 (MANE Select); coding-DNA position 5289, G replaced by T.
Protein change: p.Met1763Ile; replaces methionine 1763 with isoleucine.
Molecular consequence: missense variant.
Genome position (GRCh38, 1-based): chr18:10,714,898, C>A on the plus strand (G>T on the coding strand, the complement: PIEZO2 is on the minus strand). VCF-style: chr18-10714898-C-A. GRCh37 (hg19) VCF-style: chr18-10714896-C-A.
Other names: c.5190G>T, p.Met1730Ile (NM_001410871.1); c.5115G>T, p.Met1705Ile (NM_022068.4); short protein forms M1763I, M1705I, M1730I.
Identifiers: ClinVar variation 4696615 (VCV004696615.1).

ClinVar aggregate classification (germline): Uncertain significance (1 of 4 stars; one submission).

Submission:

Labcorp Genetics (formerly Invitae), Labcorp
Classification: Uncertain significance. Last evaluated: 2025-10-02. Review status: criteria provided, single submitter. Criteria: Invitae Variant Classification Sherloc (09022015). Collection method: clinical testing. Allele origin: germline.
Comment: This sequence change replaces methionine, which is neutral and non-polar, with isoleucine, which is neutral and non-polar, at codon 1705 of the PIEZO2 protein (p.Met1705Ile). This variant is present in population databases (no rsID available, gnomAD 0.004%). This variant has not been reported in the literature in individuals affected with PIEZO2-related conditions. Invitae Evidence Modeling of protein sequence and biophysical properties (such as structural, functional, and spatial information, amino acid conservation, physicochemical variation, residue mobility, and thermodynamic stability) indicates that this missense variant is not expected to disrupt PIEZO2 protein function with a negative predictive value of 95%. In summary, the available evidence is currently insufficient to determine the role of this variant in disease. Therefore, it has been classified as a Variant of Uncertain Significance.